The following is an entry in ClinVar:

ClinVar aggregate classification (germline): Likely benign. Review status: criteria provided, multiple submitters, no conflicts (2 of 4 stars). 3 submissions from 3 submitters: Likely benign (2). 1 of the submissions does not count toward it. Last evaluated 2025-11-13.

Conditions:
KMT2E-related disorder. Also called: KMT2E-related condition.

Allele frequency attached by ClinVar (database versions not stated): ExAC 0.00023; gnomAD 0.00048; ESP Exome Variant Server 0.00062; TOPMed 0.00066; 1000 Genomes Project 30x 0.00109; 1000 Genomes Project 0.00120.
gnomAD v4.1: 216 of 1,592,656 alleles (0.014%); highest among the groups gnomAD compares: African/African-American, 0.17%; 1 homozygote.

Submissions (3):

Labcorp Genetics (formerly Invitae), Labcorp
Classification: Likely benign. Last evaluated: 2025-11-13. Review status: criteria provided, single submitter. Criteria: Invitae Variant Classification Sherloc (09022015). Collection method: clinical testing. Allele origin: germline.

Blueprint Genetics
Classification: Likely benign. Last evaluated: 2024-08-28. Review status: criteria provided, single submitter. Criteria: ACMG Guidelines, 2015. Collection method: clinical testing. Allele origin: germline.

PreventionGenetics, part of Exact Sciences
Classification: Likely benign for KMT2E-related condition. Last evaluated: 2023-12-28. Review status: no assertion criteria provided. Collection method: clinical testing. Allele origin: germline. Not counted in ClinVar's aggregate classification.
Comment: This variant is classified as likely benign based on ACMG/AMP sequence variant interpretation guidelines (Richards et al. 2015 PMID: 25741868, with internal and published modifications).

NM_182931.3(KMT2E):c.729+4C>T

Gene: KMT2E (lysine methyltransferase 2E (inactive); plus strand). Cytogenetic location: 7q22.3.
Variant type: single nucleotide variant.
Coding change: c.729+4C>T on transcript NM_182931.3 (MANE Select); 4 bases into the intron after coding-DNA position 729, C replaced by T.
Molecular consequence: intron variant.
Genome position (GRCh38, 1-based): chr7:105,074,819, C>T. VCF-style: chr7-105074819-C-T. GRCh37 (hg19) VCF-style: chr7-104715266-C-T.
Other names: c.729+4C>T (NM_182931.2, NM_018682.4).
Identifiers: ClinVar variation 2063412 (VCV002063412.7), dbSNP rs151308476, ClinGen allele CA4423783.